The following is an entry in ClinVar:

ClinVar aggregate classification (germline): Uncertain significance (1 of 4 stars; one submission).

Submission:

GeneDx
Classification: Uncertain significance. Last evaluated: 2025-05-15. Review status: criteria provided, single submitter. Criteria: GeneDx Variant Classification Process June 2021. Collection method: clinical testing. Allele origin: germline. Affected: yes.
Comment: Not observed at significant frequency in large population cohorts (gnomAD); In silico analysis suggests that this missense variant does not alter protein structure/function; Has not been previously published as pathogenic or benign to our knowledge

NM_032436.4(CHAMP1):c.1618C>T (p.Pro540Ser)

Gene: CHAMP1 (chromosome alignment maintaining phosphoprotein 1; plus strand). Cytogenetic location: 13q34.
Variant type: single nucleotide variant.
Coding change: c.1618C>T on transcript NM_032436.4 (MANE Select); coding-DNA position 1618, C replaced by T.
Protein change: p.Pro540Ser; replaces proline 540 with serine.
Molecular consequence: missense variant.
Genome position (GRCh38, 1-based): chr13:114,325,460, C>T. VCF-style: chr13-114325460-C-T. GRCh37 (hg19) VCF-style: chr13-115090935-C-T.
Other names: c.1618C>T, p.Pro540Ser (NM_001164144.3, NM_001164145.3); short protein forms P540S.
Identifiers: ClinVar variation 4530927 (VCV004530927.1).